The following is an entry in ClinVar:

ClinVar aggregate classification (germline): Conflicting classifications of pathogenicity. Review status: criteria provided, conflicting classifications (1 of 4 stars). 3 submissions from 3 submitters: Uncertain significance (2); Likely benign (1). Last evaluated 2025-02-05.

Conditions:
Familial thoracic aortic aneurysm and aortic dissection (TAAD). Also called: Thoracic aortic aneurysms and dissections. Identifiers: Orphanet 91387, MedGen C4707243, MONDO:0019625.

gnomAD v4.1: 2 of 1,210,668 alleles (0.00017%); highest among the groups gnomAD compares: Admixed American, 0.0022%; no homozygotes.

Submissions (3):

Ambry Genetics
Classification: Likely benign for Familial thoracic aortic aneurysm and aortic dissection. Last evaluated: 2025-02-05. Review status: criteria provided, single submitter. Criteria: Ambry Variant Classification Scheme 2023. Collection method: clinical testing. Allele origin: germline.

GeneDx
Classification: Uncertain significance. Last evaluated: 2023-07-25. Review status: criteria provided, single submitter. Criteria: GeneDx Variant Classification Process June 2021. Collection method: clinical testing. Allele origin: germline. Affected: yes.
Comment: In silico analysis supports that this missense variant has a deleterious effect on protein structure/function; Has not been previously published as pathogenic or benign to our knowledge

Blueprint Genetics
Classification: Uncertain significance. Last evaluated: 2022-04-25. Review status: criteria provided, single submitter. Criteria: ACMG Guidelines, 2015. Collection method: clinical testing. Allele origin: germline.

NM_001110556.2(FLNA):c.1553C>T (p.Thr518Ile)

Gene: FLNA (filamin A; minus strand). Cytogenetic location: Xq28.
Variant type: single nucleotide variant.
Coding change: c.1553C>T on transcript NM_001110556.2 (MANE Select); coding-DNA position 1553, C replaced by T.
Protein change: p.Thr518Ile; replaces threonine 518 with isoleucine.
Molecular consequence: missense variant.
Genome position (GRCh38, 1-based): chrX:154,365,363, G>A on the plus strand (C>T on the coding strand, the complement: FLNA is on the minus strand). VCF-style: chrX-154365363-G-A. GRCh37 (hg19) VCF-style: chrX-153593731-G-A.
Other names: c.1553C>T, p.Thr518Ile (NM_001456.4); short protein forms T518I.
Identifiers: ClinVar variation 3361595 (VCV003361595.3).
Genomic context (GRCh38, chrX:154,365,363, plus strand): 5'-CGGGGGCTGCCGCCACCCATCCTGGCCTGGCTCCAGGCCAACTTACTGGGGCCCTTCACG[G>A]TGACCTTCAGCTCCCCACTGCCAGCGCCCTTTGTGTACACCTTGAAGTCAGCTGTCTCCT-3'
Protein context (NP_001104026.1, residues 508-528): KGAGSGELKV[Thr518Ile]VKGPKGEERV